The following is an entry in ClinVar:

NM_000069.3(CACNA1S):c.1A>G (p.Met1Val)

Gene: CACNA1S (calcium voltage-gated channel subunit alpha1 S; minus strand). Cytogenetic location: 1q32.1.
Variant type: single nucleotide variant.
Coding change: c.1A>G on transcript NM_000069.3 (MANE Select); coding-DNA position 1, A replaced by G.
Protein change: p.Met1Val; changes the start codon (methionine 1).
Molecular consequence: missense variant, initiator codon variant.
Genome position (GRCh38, 1-based): chr1:201,112,339, T>C on the plus strand (A>G on the coding strand, the complement: CACNA1S is on the minus strand). VCF-style: chr1-201112339-T-C. GRCh37 (hg19) VCF-style: chr1-201081467-T-C.
Other names: short protein forms M1V.
Identifiers: ClinVar variation 945671 (VCV000945671.11), dbSNP rs201803122, ClinGen allele CA078742.

ClinVar aggregate classification (germline): Uncertain significance. Review status: criteria provided, multiple submitters, no conflicts (2 of 4 stars). 3 submissions from 3 submitters: Uncertain significance (3). Last evaluated 2025-06-18.

Conditions:
Thyrotoxic periodic paralysis, susceptibility to, 1 (TTPP1). Identifiers: Orphanet 79102, MedGen C2749982, MONDO:0008570, OMIM 188580.
Congenital myopathy 18. Also called: DIHYDROPYRIDINE RECEPTOR CONGENITAL MYOPATHY; DHPR CONGENITAL MYOPATHY; Myopathy, congenital, due to dihydropyridine receptor defect. Identifiers: MedGen C5830283, MONDO:0859514, OMIM 620246.
Hypokalemic periodic paralysis, type 1. Also called: HypoPP; Hypokalemic Periodic Paralysis Type 1 (AD). Identifiers: Orphanet 681, MedGen C3714580, MONDO:0042979, OMIM 170400.
Malignant hyperthermia, susceptibility to, 5 (MHS5). Also called: CACNA1S-Related Malignant Hyperthermia Susceptibility. Identifiers: Orphanet 423, MedGen C1866077, MONDO:0011163, OMIM 601887.

Allele frequency attached by ClinVar (database versions not stated): ExAC 0.00001; gnomAD 0.00001 and 0.00002; gnomAD exomes 0.00002 and 0.00004; TOPMed 0.00002; 1000 Genomes Project 30x 0.00016; 1000 Genomes Project 0.00020.

Submissions (3):

Color Diagnostics, LLC DBA Color Health
Classification: Uncertain significance for Malignant hyperthermia, susceptibility to, 5. Last evaluated: 2025-06-18. Review status: criteria provided, single submitter. Criteria: ACMG Guidelines, 2015. Collection method: clinical testing. Allele origin: germline.
Comment: This variant alters the translation initiation codon methionine at codon 1 of the CACNA1S protein. The next in-frame methionine is located at codon 74. To our knowledge, functional studies have not been reported for this variant. This variant has not been reported in individuals affected with CACNA1S-related disorders in the literature. This variant has been identified in 4/251444 chromosomes in the general population by the Genome Aggregation Database (gnomAD). The available evidence is insufficient to determine the role of this variant in disease conclusively. Therefore, this variant is classified as a Variant of Uncertain Significance.

Fulgent Genetics
Classification: Uncertain significance for Hypokalemic periodic paralysis, type 1; Thyrotoxic periodic paralysis, susceptibility to, 1; Malignant hyperthermia, susceptibility to, 5; Congenital myopathy 18. Last evaluated: 2024-02-13. Review status: criteria provided, single submitter. Criteria: ACMG Guidelines, 2015. Collection method: clinical testing. Allele origin: germline.

Labcorp Genetics (formerly Invitae), Labcorp
Classification: Uncertain significance for Hypokalemic periodic paralysis, type 1; Malignant hyperthermia, susceptibility to, 5. Last evaluated: 2024-01-04. Review status: criteria provided, single submitter. Criteria: Invitae Variant Classification Sherloc (09022015). Collection method: clinical testing. Allele origin: germline.
Comment: This sequence change affects the initiator methionine of the CACNA1S mRNA. The next in-frame methionine is located at codon 74. This variant is present in population databases (rs201803122, gnomAD 0.004%). This variant has not been reported in the literature in individuals affected with CACNA1S-related conditions. ClinVar contains an entry for this variant (Variation ID: 945671). In summary, the available evidence is currently insufficient to determine the role of this variant in disease. Therefore, it has been classified as a Variant of Uncertain Significance.